The following is an entry in ClinVar:

ClinVar aggregate classification (germline): Uncertain significance. Review status: criteria provided, multiple submitters, no conflicts (2 of 4 stars). 6 submissions from 6 submitters: Uncertain significance (5). 1 of the submissions does not count toward it. Last evaluated 2025-11-02.

Conditions:
Gastrointestinal stromal tumor. Also called: Gastrointestinal stroma tumor; Gastrointestinal stromal tumor, somatic. Identifiers: Orphanet 44890, MedGen C0238198, MeSH D046152, MONDO:0011719, OMIM 606764, HP:0100723.
Hereditary cancer-predisposing syndrome. Also called: Tumor predisposition; Hereditary neoplastic syndrome; Neoplastic Syndromes, Hereditary; Hereditary Cancer Syndrome. Identifiers: Orphanet 140162, MedGen C0027672, MeSH D009386, MONDO:0015356.
Pheochromocytoma/paraganglioma syndrome 3. Also called: SDHC-Related Hereditary Paraganglioma-Pheochromocytoma Syndrome (Paragangliomas 3); GLOMUS TUMORS, FAMILIAL, 3; SDHC-Related Hereditary Paraganglioma-Pheochromocytoma Syndrome; Paragangliomas 3. Identifiers: Orphanet 29072, MedGen C1854336, MONDO:0011544, OMIM 605373.

Allele frequency attached by ClinVar (database versions not stated): gnomAD exomes below 0.00001; gnomAD 0.00001; TOPMed 0.00001.
gnomAD v4.1: 3 of 1,611,590 alleles (0.00019%); highest among the groups gnomAD compares: Non-Finnish European, 0.00025%; no homozygotes.

Submissions (6):

Labcorp Genetics (formerly Invitae), Labcorp
Classification: Uncertain significance for Pheochromocytoma/paraganglioma syndrome 3; Gastrointestinal stromal tumor. Last evaluated: 2025-11-02. Review status: criteria provided, single submitter. Criteria: Invitae Variant Classification Sherloc (09022015). Collection method: clinical testing. Allele origin: germline.
Comment: This sequence change replaces leucine, which is neutral and non-polar, with phenylalanine, which is neutral and non-polar, at codon 22 of the SDHC protein (p.Leu22Phe). This variant is not present in population databases (gnomAD no frequency). This variant has not been reported in the literature in individuals affected with SDHC-related conditions. ClinVar contains an entry for this variant (Variation ID: 465978). An algorithm developed to predict the effect of missense changes on protein structure and function outputs the following: PolyPhen-2: "Benign". The phenylalanine amino acid residue is found in multiple mammalian species, which suggests that this missense change does not adversely affect protein function. In summary, the available evidence is currently insufficient to determine the role of this variant in disease. Therefore, it has been classified as a Variant of Uncertain Significance.

Ambry Genetics
Classification: Uncertain significance for Hereditary cancer-predisposing syndrome. Last evaluated: 2024-11-05. Review status: criteria provided, single submitter. Criteria: Ambry Variant Classification Scheme 2023. Collection method: clinical testing. Allele origin: germline.
Comment: The p.L22F variant (also known as c.64C>T), located in coding exon 2 of the SDHC gene, results from a C to T substitution at nucleotide position 64. The leucine at codon 22 is replaced by phenylalanine, an amino acid with highly similar properties. This amino acid position is highly conserved in available vertebrate species. In addition, the in silico prediction for this alteration is inconclusive. Since supporting evidence is limited at this time, the clinical significance of this alteration remains unclear.

Baylor Genetics
Classification: Uncertain significance for Gastrointestinal stromal tumor. Last evaluated: 2024-01-19. Review status: criteria provided, single submitter. Criteria: ACMG Guidelines, 2015. Collection method: clinical testing. Allele origin: unknown.

GeneDx
Classification: Uncertain significance. Last evaluated: 2023-05-19. Review status: criteria provided, single submitter. Criteria: GeneDx Variant Classification Process June 2021. Collection method: clinical testing. Allele origin: germline. Affected: yes.
Comment: Not observed at significant frequency in large population cohorts (gnomAD); In silico analysis supports that this missense variant has a deleterious effect on protein structure/function; Has not been previously published as pathogenic or benign to our knowledge

Myriad Genetics, Inc.
Classification: Uncertain significance for Pheochromocytoma/paraganglioma syndrome 3. Last evaluated: 2023-04-24. Review status: criteria provided, single submitter. Criteria: Myriad Autosomal Dominant, Autosomal Recessive and X-Linked Classification Criteria (2023). Collection method: clinical testing. Allele origin: unknown.
Comment: This variant is classified as a variant of uncertain significance as there is insufficient evidence to determine its impact on protein function and/or cancer risk.

Counsyl
Classification: Uncertain significance for Pheochromocytoma/paraganglioma syndrome 3. Last evaluated: 2018-04-29. Review status: no assertion criteria provided. Collection method: clinical testing. Allele origin: unknown. Not counted in ClinVar's aggregate classification.

NM_003001.5(SDHC):c.64C>T (p.Leu22Phe)

Gene: SDHC (succinate dehydrogenase complex subunit C; plus strand). Cytogenetic location: 1q23.3.
Variant type: single nucleotide variant.
Coding change: c.64C>T on transcript NM_003001.5 (MANE Select); coding-DNA position 64, C replaced by T.
Protein change: p.Leu22Phe; replaces leucine 22 with phenylalanine.
Molecular consequence: missense variant. On other transcripts: 5 prime UTR variant (2), non-coding transcript variant (1), intron variant (4).
Genome position (GRCh38, 1-based): chr1:161,323,657, C>T. VCF-style: chr1-161323657-C-T. GRCh37 (hg19) VCF-style: chr1-161293447-C-T.
Other names: c.64C>T, p.Leu22Phe (NM_001035511.3, NM_001035512.3, NM_001278172.3 and 2 more transcripts); c.-48C>T (NM_001407119.1); c.-166C>T (NM_001407120.1); c.21-4739C>T (NM_001407116.1, NM_001407121.1, NM_001407117.1); c.20+9232C>T (NM_001035513.3); short protein forms L22F.
Identifiers: ClinVar variation 465978 (VCV000465978.23), dbSNP rs1473438869, ClinGen allele CA343359574.